The following is an entry in ClinVar:

ClinVar aggregate classification (germline): Uncertain significance (1 of 4 stars; one submission).

Conditions:
Ullrich congenital muscular dystrophy 2 (UCMD2). Identifiers: Orphanet 75840, MedGen C4225314, MONDO:0014654, OMIM 616470.
Bethlem myopathy 2 (BTHLM2). Identifiers: Orphanet 536516, Orphanet 610, MedGen C4225313, MONDO:0034022, OMIM 616471.

Allele frequency attached by ClinVar (database versions not stated): gnomAD exomes 0.00001.
gnomAD v4.1: 14 of 1,613,908 alleles (0.00087%); highest among the groups gnomAD compares: Non-Finnish European, 0.0012%; no homozygotes.

Submission:

Labcorp Genetics (formerly Invitae), Labcorp
Classification: Uncertain significance for Bethlem myopathy 2; Ullrich congenital muscular dystrophy 2. Last evaluated: 2020-07-15. Review status: criteria provided, single submitter. Criteria: Invitae Variant Classification Sherloc (09022015). Collection method: clinical testing. Allele origin: germline.
Comment: This variant is not present in population databases (ExAC no frequency). In summary, the available evidence is currently insufficient to determine the role of this variant in disease. Therefore, it has been classified as a Variant of Uncertain Significance. Algorithms developed to predict the effect of missense changes on protein structure and function are either unavailable or do not agree on the potential impact of this missense change (SIFT: "Deleterious"; PolyPhen-2: "Probably Damaging"; Align-GVGD: "Class C0"). This variant has not been reported in the literature in individuals with COL12A1-related conditions. This sequence change replaces proline with serine at codon 2968 of the COL12A1 protein (p.Pro2968Ser). The proline residue is highly conserved and there is a moderate physicochemical difference between proline and serine.

NM_004370.6(COL12A1):c.8902C>T (p.Pro2968Ser)

Gene: COL12A1 (collagen type XII alpha 1 chain; minus strand). Cytogenetic location: 6q13.
Variant type: single nucleotide variant.
Coding change: c.8902C>T on transcript NM_004370.6 (MANE Select); coding-DNA position 8902, C replaced by T.
Protein change: p.Pro2968Ser; replaces proline 2968 with serine.
Molecular consequence: missense variant.
Genome position (GRCh38, 1-based): chr6:75,090,149, G>A on the plus strand (C>T on the coding strand, the complement: COL12A1 is on the minus strand). VCF-style: chr6-75090149-G-A. GRCh37 (hg19) VCF-style: chr6-75799865-G-A.
Other names: c.5410C>T, p.Pro1804Ser (NM_080645.3); short protein forms P1804S, P2968S.
Identifiers: ClinVar variation 1063694 (VCV001063694.9), dbSNP rs1216270127, ClinGen allele CA364734591.